The following is an entry in ClinVar:

ClinVar aggregate classification (germline): Conflicting classifications of pathogenicity. Review status: criteria provided, conflicting classifications (1 of 4 stars). 7 submissions from 7 submitters: Uncertain significance (5); Likely benign (2). Last evaluated 2026-07-13.

Conditions:
RYR1-related disorder. Also called: RYR1-related condition; RYR1-related disorders. Identifiers: MedGen CN239331.
Inborn genetic diseases. Identifiers: MedGen C0950123, MeSH D030342.
Congenital multicore myopathy with external ophthalmoplegia (CMYO1B). Also called: Minicore myopathy with external ophthalmoplegia; MULTIMINICORE DISEASE WITH EXTERNAL OPHTHALMOPLEGIA; MULTICORE MYOPATHY; Congenital myopathy 1B, autosomal recessive; Minicore myopathy. Identifiers: Orphanet 598, Orphanet 98905, MedGen C1850674, MONDO:0009712, OMIM 255320, HP:0003789.
Congenital myopathy with fiber type disproportion. Also called: Congenital fiber-type disproportion myopathy; Congenital fiber-type disproportion. Identifiers: Orphanet 2020, MedGen C0546264, MONDO:0009711. Inheritance: all.
King Denborough syndrome (KDS). Identifiers: MedGen C1840365, MONDO:0020485, OMIM 619542.
Central core myopathy (CMYO1A). Also called: Central core disease; Myopathy, central fibrillar; CONGENITAL MYOPATHY 1A, AUTOSOMAL DOMINANT, WITH SUSCEPTIBILITY TO MALIGNANT HYPERTHERMIA. Identifiers: Orphanet 597, MedGen C5830701, MONDO:0007294, OMIM 117000.
Malignant hyperthermia, susceptibility to, 1 (MHS1). Also called: Malignant hyperthermia suceptibility 1; Anesthesia related hyperthermia; Malignant hyperpyrexia; Fulminating hyperpyrexia; Pharmacogenic myopathy; RYR1-Related Malignant Hyperthermia Susceptibility. Identifiers: Orphanet 423, MedGen C2930980, MONDO:0007783, OMIM 145600.

Allele frequency attached by ClinVar (database versions not stated): ExAC 0.00002; gnomAD exomes 0.00009 and 0.00002; TOPMed 0.00009; gnomAD 0.00007.
gnomAD v4.1: 40 of 1,612,154 alleles (0.0025%); highest among the groups gnomAD compares: Admixed American, 0.045%; 1 homozygote.

Submissions (7):

PreventionGenetics, part of Exact Sciences
Classification: Uncertain significance for RYR1-related condition. Last evaluated: 2026-07-13. Review status: criteria provided, single submitter. Criteria: ACMG Guidelines, 2015. Collection method: clinical testing. Allele origin: germline.
Comment: The RYR1 c.8342T>C variant is predicted to result in the amino acid substitution p.Ile2781Thr. To our knowledge, this variant has not been reported in the literature. This variant is reported in 0.054% of alleles in individuals of Latino descent in gnomAD including one homozygous individual. Although we suspect this variant is benign, at this time, the clinical significance of this variant is uncertain due to the absence of conclusive functional and genetic evidence.

Ambry Genetics
Classification: Uncertain significance for Inborn genetic diseases. Last evaluated: 2026-07-01. Review status: criteria provided, single submitter. Criteria: Ambry Variant Classification Scheme 2023. Collection method: clinical testing. Allele origin: germline.
Comment: The p.I2781T variant (also known as c.8342T>C), located in coding exon 53 of the RYR1 gene, results from a T to C substitution at nucleotide position 8342. The isoleucine at codon 2781 is replaced by threonine, an amino acid with similar properties. This amino acid position is conserved. In addition, the in silico prediction for this alteration is inconclusive. Based on the available evidence, the clinical significance of this variant remains unclear.

Labcorp Genetics (formerly Invitae), Labcorp
Classification: Likely benign for RYR1-related disorder. Last evaluated: 2026-01-20. Review status: criteria provided, single submitter. Criteria: Invitae Variant Classification Sherloc (09022015). Collection method: clinical testing. Allele origin: germline.

GeneDx
Classification: Uncertain significance. Last evaluated: 2025-01-07. Review status: criteria provided, single submitter. Criteria: GeneDx Variant Classification Process June 2021. Collection method: clinical testing. Allele origin: germline. Affected: yes.
Comment: In silico analysis supports that this missense variant has a deleterious effect on protein structure/function; Has not been previously published as pathogenic or benign to our knowledge; This variant is associated with the following publications: (PMID: 12668474)

Color Diagnostics, LLC DBA Color Health
Classification: Uncertain significance for Malignant hyperthermia, susceptibility to, 1. Last evaluated: 2024-03-06. Review status: criteria provided, single submitter. Criteria: ACMG Guidelines, 2015. Collection method: clinical testing. Allele origin: germline.
Comment: This missense variant replaces isoleucine with threonine at codon 2781 of the RYR1 protein. Computational prediction suggests that this variant may not impact protein structure and function (internally defined REVEL score threshold <= 0.5, PMID: 27666373). To our knowledge, functional studies have not been reported for this variant. This variant has not been reported in individuals affected with RYR1-related disorders in the literature. This variant has been identified in 24/280898 chromosomes in the general population by the Genome Aggregation Database (gnomAD). The available evidence is insufficient to determine the role of this variant in disease conclusively. Therefore, this variant is classified as a Variant of Uncertain Significance.

Revvity Omics, Revvity
Classification: Uncertain significance. Last evaluated: 2023-05-01. Review status: criteria provided, single submitter. Criteria: ACMG Guidelines, 2015. Collection method: clinical testing. Allele origin: germline.

Fulgent Genetics
Classification: Likely benign for Central core myopathy; Malignant hyperthermia, susceptibility to, 1; Congenital myopathy 4A, autosomal dominant; Congenital multicore myopathy with external ophthalmoplegia; King Denborough syndrome. Last evaluated: 2021-07-29. Review status: criteria provided, single submitter. Criteria: ACMG Guidelines, 2015. Collection method: clinical testing. Allele origin: unknown.

NM_000540.3(RYR1):c.8342T>C (p.Ile2781Thr)

Genes: RYR1 (ryanodine receptor 1; plus strand), LOC126862902 (BRD4-independent group 4 enhancer GRCh37_chr19:38995830-38997029; plus strand). Cytogenetic location: 19q13.2.
Variant type: single nucleotide variant.
Coding change: c.8342T>C on transcript NM_000540.3 (MANE Select); coding-DNA position 8342, T replaced by C.
Protein change: p.Ile2781Thr; replaces isoleucine 2781 with threonine.
Molecular consequence: missense variant.
Genome position (GRCh38, 1-based): chr19:38,505,340, T>C. VCF-style: chr19-38505340-T-C. GRCh37 (hg19) VCF-style: chr19-38995980-T-C.
Other names: c.8342T>C, p.Ile2781Thr (NM_001042723.2); short protein forms I2781T.
Identifiers: ClinVar variation 847990 (VCV000847990.18), dbSNP rs767805554, ClinGen allele CA071860.